The following is an entry in ClinVar:

ClinVar aggregate classification (germline): Likely benign. Review status: criteria provided, single submitter (1 of 4 stars). 2 submissions from 2 submitters: Likely benign (1). 1 of the submissions does not count toward it. Last evaluated 2025-12-22.

Allele frequency attached by ClinVar (database versions not stated): gnomAD exomes 0.00003 and 0.00007; ESP Exome Variant Server 0.00008; ExAC 0.00011; gnomAD 0.00011; TOPMed 0.00014.
gnomAD v4.1: 60 of 1,613,382 alleles (0.0037%); highest among the groups gnomAD compares: African/African-American, 0.041%; no homozygotes.

Submissions (2):

Labcorp Genetics (formerly Invitae), Labcorp
Classification: Likely benign. Last evaluated: 2025-12-22. Review status: criteria provided, single submitter. Criteria: Invitae Variant Classification Sherloc (09022015). Collection method: clinical testing. Allele origin: germline.

Department of Pathology and Laboratory Medicine, Sinai Health System
Classification: Uncertain significance. Review status: no assertion criteria provided. Collection method: clinical testing. Allele origin: unknown. Affected: yes. Study: The Canadian Open Genetics Repository (COGR). Not counted in ClinVar's aggregate classification.
Comment: The COL7A1 p.Arg1620Gln variant was not identified in the literature nor was it identified in ClinVar or LOVD 3.0. The variant was identified in dbSNP (ID: rs373682717) and Cosmic. The variant was identified in control databases in 23 of 280948 chromosomes at a frequency of 0.000082 (Genome Aggregation Database Feb 27, 2017). The variant was observed in the following populations: African in 13 of 24576 chromosomes (freq: 0.000529), European (Finnish) in 8 of 25060 chromosomes (freq: 0.000319), Other in 1 of 7170 chromosomes (freq: 0.00014) and European (non-Finnish) in 1 of 127980 chromosomes (freq: 0.000008), it was not observed in the Latino, Ashkenazi Jewish, East Asian, and South Asian populations. The p.Arg1620 residue is conserved in mammals but not in more distantly related organisms however four out of five computational analyses (SIFT, AlignGVGD, BLOSUM, MutationTaster) do not suggest a high likelihood of impact to the protein; this information is not predictive enough to rule out pathogenicity. The variant occurs outside of the splicing consensus sequence and in silico or computational prediction software programs (SpliceSiteFinder, MaxEntScan, NNSPLICE, GeneSplicer) do not predict a difference in splicing. In summary, based on the above information the clinical significance of this variant cannot be determined with certainty at this time. This variant is classified as a variant of uncertain significance.

NM_000094.4(COL7A1):c.4859G>A (p.Arg1620Gln)

Gene: COL7A1 (collagen type VII alpha 1 chain; minus strand). Cytogenetic location: 3p21.31.
Variant type: single nucleotide variant.
Coding change: c.4859G>A on transcript NM_000094.4 (MANE Select); coding-DNA position 4859, G replaced by A.
Protein change: p.Arg1620Gln; replaces arginine 1620 with glutamine.
Molecular consequence: missense variant.
Genome position (GRCh38, 1-based): chr3:48,581,300, C>T on the plus strand (G>A on the coding strand, the complement: COL7A1 is on the minus strand). VCF-style: chr3-48581300-C-T. GRCh37 (hg19) VCF-style: chr3-48618733-C-T.
Other names: short protein forms R1620Q.
Identifiers: ClinVar variation 1049486 (VCV001049486.6), dbSNP rs373682717, ClinGen allele CA2379806.